The following is an entry in ClinVar:

NM_152564.5(VPS13B):c.5589C>G (p.Asn1863Lys)

Gene: VPS13B (vacuolar protein sorting 13 homolog B; plus strand). Cytogenetic location: 8q22.2.
Variant type: single nucleotide variant.
Coding change: c.5589C>G on transcript NM_152564.5 (MANE Select); coding-DNA position 5589, C replaced by G.
Protein change: p.Asn1863Lys; replaces asparagine 1863 with lysine.
Molecular consequence: missense variant.
Genome position (GRCh38, 1-based): chr8:99,642,179, C>G. VCF-style: chr8-99642179-C-G. GRCh37 (hg19) VCF-style: chr8-100654407-C-G.
Other names: c.5664C>G, p.Asn1888Lys (NM_017890.5); short protein forms N1888K, N1863K.
Identifiers: ClinVar variation 2103091 (VCV002103091.4), dbSNP rs2491207533, ClinGen allele CA371872892.
Genomic context (GRCh38, chr8:99,642,179, plus strand): 5'-AAAAACAGACAAGAGTTCATTAAATCTCCCAGAAGTTGATTCAGATGTTGCTAAGCCCAA[C>G]CAGGCATGTATTTCCACGGTGACAGCAGAAGATCTCTTAAGGAGCAGCATTTCTTTTCCT-3'
Protein context (NP_689777.3, residues 1853-1873): PEVDSDVAKP[Asn1863Lys]QACISTVTAE

ClinVar aggregate classification (germline): Uncertain significance (1 of 4 stars; one submission).

Conditions:
Cohen syndrome (COH1). Also called: Cutis verticis gyrata, retinitis pigmentosa, and sensorineural deafness; PEPPER SYNDROME. Identifiers: Orphanet 193, MedGen C0265223, MONDO:0008999, OMIM 216550.

Submission:

Labcorp Genetics (formerly Invitae), Labcorp
Classification: Uncertain significance for Cohen syndrome. Last evaluated: 2022-03-23. Review status: criteria provided, single submitter. Criteria: Invitae Variant Classification Sherloc (09022015). Collection method: clinical testing. Allele origin: germline.
Comment: This variant has not been reported in the literature in individuals affected with VPS13B-related conditions. This sequence change replaces asparagine, which is neutral and polar, with lysine, which is basic and polar, at codon 1888 of the VPS13B protein (p.Asn1888Lys). This variant is not present in population databases (gnomAD no frequency). Algorithms developed to predict the effect of missense changes on protein structure and function are either unavailable or do not agree on the potential impact of this missense change (SIFT: "Not Available"; PolyPhen-2: "Benign"; Align-GVGD: "Not Available"). In summary, the available evidence is currently insufficient to determine the role of this variant in disease. Therefore, it has been classified as a Variant of Uncertain Significance.